The following is an entry in ClinVar:

ClinVar aggregate classification (germline): Uncertain significance. Review status: criteria provided, multiple submitters, no conflicts (2 of 4 stars). 2 submissions from 2 submitters: Uncertain significance (2). Last evaluated 2023-03-08.

Conditions:
Early Myoclonic Encephalopathy. Identifiers: MedGen C0270855.
JMJD1C-associated Neurodevelopmental Disorder.

Allele frequency attached by ClinVar (database versions not stated): gnomAD 0.00001; TOPMed 0.00003.
gnomAD v4.1: 2 of 1,614,030 alleles (0.00012%); highest among the groups gnomAD compares: Admixed American, 0.0017%; no homozygotes.

Submissions (2):

Labcorp Genetics (formerly Invitae), Labcorp
Classification: Uncertain significance for Early Myoclonic Encephalopathy. Last evaluated: 2023-03-08. Review status: criteria provided, single submitter. Criteria: Invitae Variant Classification Sherloc (09022015). Collection method: clinical testing. Allele origin: germline.
Comment: In summary, the available evidence is currently insufficient to determine the role of this variant in disease. Therefore, it has been classified as a Variant of Uncertain Significance. Advanced modeling of protein sequence and biophysical properties (such as structural, functional, and spatial information, amino acid conservation, physicochemical variation, residue mobility, and thermodynamic stability) performed at Invitae indicates that this missense variant is expected to disrupt JMJD1C protein function. ClinVar contains an entry for this variant (Variation ID: 1342455). This variant has not been reported in the literature in individuals affected with JMJD1C-related conditions. This variant is not present in population databases (gnomAD no frequency). This sequence change replaces threonine, which is neutral and polar, with isoleucine, which is neutral and non-polar, at codon 747 of the JMJD1C protein (p.Thr747Ile).

New York Genome Center
Classification: Uncertain significance for JMJD1C-associated Neurodevelopmental Disorder. Last evaluated: 2021-04-16. Review status: criteria provided, single submitter. Criteria: NYGC Assertion Criteria 2020. Collection method: clinical testing. Allele origin: inherited. Observed: 1 heterozygote. Study: CSER-NYCKidSeq.

NM_032776.3(JMJD1C):c.2240C>T (p.Thr747Ile)

Gene: JMJD1C (jumonji domain containing 1C; minus strand). Cytogenetic location: 10q21.3.
Variant type: single nucleotide variant.
Coding change: c.2240C>T on transcript NM_032776.3 (MANE Select); coding-DNA position 2240, C replaced by T.
Protein change: p.Thr747Ile; replaces threonine 747 with isoleucine.
Molecular consequence: missense variant. On other transcripts: non-coding transcript variant (1).
Genome position (GRCh38, 1-based): chr10:63,213,927, G>A on the plus strand (C>T on the coding strand, the complement: JMJD1C is on the minus strand). VCF-style: chr10-63213927-G-A. GRCh37 (hg19) VCF-style: chr10-64973687-G-A.
Other names: c.1694C>T, p.Thr565Ile (NM_001282948.2, NM_001318154.2); c.1376C>T, p.Thr459Ile (NM_001318153.2); c.2126C>T, p.Thr709Ile (NM_001322252.2); c.1583C>T, p.Thr528Ile (NM_001322254.2, NM_001322258.2); short protein forms T459I, T528I, T565I, T709I, T747I.
Identifiers: ClinVar variation 1342455 (VCV001342455.4), dbSNP rs1157995731, ClinGen allele CA377046393.